The following is an entry in ClinVar:

ClinVar aggregate classification (germline): Uncertain significance. Review status: reviewed by expert panel (3 of 4 stars). 5 submissions from 5 submitters: Uncertain significance (1). 4 of the submissions do not count toward it. Last evaluated 2025-08-01.

Conditions:
Congenital myopathy with fiber type disproportion. Also called: Congenital fiber-type disproportion; Congenital fiber-type disproportion myopathy. Identifiers: Orphanet 2020, MedGen C0546264, MONDO:0009711. Inheritance: all.
Central core myopathy (CMYO1A). Also called: CONGENITAL MYOPATHY 1A, AUTOSOMAL DOMINANT, WITH SUSCEPTIBILITY TO MALIGNANT HYPERTHERMIA; Central core disease; Myopathy, central fibrillar. Identifiers: Orphanet 597, MedGen C5830701, MONDO:0007294, OMIM 117000.
Congenital multicore myopathy with external ophthalmoplegia (CMYO1B). Also called: Minicore myopathy with external ophthalmoplegia; Congenital myopathy 1B, autosomal recessive; Minicore myopathy; MULTIMINICORE DISEASE WITH EXTERNAL OPHTHALMOPLEGIA; MULTICORE MYOPATHY. Identifiers: Orphanet 598, Orphanet 98905, MedGen C1850674, MONDO:0009712, OMIM 255320, HP:0003789.
King Denborough syndrome (KDS). Identifiers: MedGen C1840365, MONDO:0020485, OMIM 619542.
Malignant hyperthermia, susceptibility to, 1 (MHS1). Also called: Anesthesia related hyperthermia; Malignant hyperpyrexia; Fulminating hyperpyrexia; Pharmacogenic myopathy; RYR1-Related Malignant Hyperthermia Susceptibility; Malignant hyperthermia suceptibility 1. Identifiers: Orphanet 423, MedGen C2930980, MONDO:0007783, OMIM 145600.
RYR1-related disorder. Also called: RYR1-related condition; RYR1-related disorders. Identifiers: MedGen CN239331.
Malignant hyperthermia of anesthesia. Also called: Anesthesic-triggered malignant hyperthermia. Identifiers: Orphanet 423, MedGen C0024591, MONDO:0018493, HP:0034733.

Allele frequency attached by ClinVar (database versions not stated): gnomAD exomes below 0.00001; ExAC 0.00001; gnomAD 0.00002.
gnomAD v4.1: 7 of 1,595,136 alleles (0.00044%); highest among the groups gnomAD compares: Non-Finnish European, 0.00034%; no homozygotes.

Submissions (5):

ClinGen Malignant Hyperthermia Susceptibility Variant Curation Expert Panel, ClinGen
Classification: Uncertain significance for Malignant hyperthermia of anesthesia. Last evaluated: 2025-08-01. Review status: reviewed by expert panel. Criteria: ClinGen MHS ACMG Specifications V2. Collection method: curation. Allele origin: germline. Inheritance: Autosomal dominant inheritance.
Comment: This pathogenicity assessment is relevant only for malignant hyperthermia susceptibility (MHS) inherited in an autosomal dominant pattern. Variants in RYR1 can also cause other myopathies inherited in an autosomal dominant pattern or in an autosomal recessive pattern. Some of these disorders may predispose individuals to malignant hyperthermia. RYR1 variants may also contribute to a malignant hyperthermia reaction in combination with other genetic and non-genetic factors and the clinician needs to consider such factors in making management decisions. This sequence variant predicts a substitution of cysteine with arginine at codon 4664 of the RYR1 protein, p.(Cys4664Arg). The maximum allele frequency for this variant among the six major gnomAD populations is NFE: 0.000009, a frequency consistent with pathogenicity for MHS. This variant has been reported in an individual with a personal or family history of an MH episode and a positive in vitro contracture test (IVCT) or caffeine halothane contracture test (CHCT) result (if the proband was unavailable for testing, a positive diagnostic test result in a mutation-positive relative was counted), PS4_Supporting (PMID: 19191333). One functional study was published for this variant. In this study, immortalized B-lymphocytes from patients carrying p.(Arg530His), p.(Asn2342Ser), p.(Glu2371Gly), and p.(Arg2454His) showed increased acidification rate when stimulated by 4CmC. B-lymphocytes from patients carrying p.(Cys4664Arg) were less activated by 4CmC, indicating a leaky channel. This assay is not considered a standard assay by the ClinGen RYR1 VCEP for MHS (PMID: 19191333). This variant resides in a region of RYR1 considered to be a hotspot for pathogenic variants that contribute to MHS, PM1_Sup (PMID: 21118704). A REVEL score >0.85 (0.936) supports a pathogenic status for this variant, PP3_Moderate. This variant has been classified as a Variant of Unknown Significance. Criteria implemented: PS4_Supporting, PM1_Supporting, PP3_Moderate.

GeneDx
Classification: Likely pathogenic. Last evaluated: 2025-12-15. Review status: criteria provided, single submitter. Criteria: GeneDx Variant Classification Process June 2021. Collection method: clinical testing. Allele origin: germline. Affected: yes. Not counted in ClinVar's aggregate classification.
Comment: Published functional studies suggest a damaging effect, with cell lines expressing C4664R showing reduced activity; however, further studies are needed to confirm the functional effect of this variant (PMID: 19191333); In silico analysis supports that this missense variant has a deleterious effect on protein structure/function; Not observed at significant frequency in large population cohorts (gnomAD); This variant is associated with the following publications: (PMID: 27646467, 19191333, 20681998, 33767344)

Labcorp Genetics (formerly Invitae), Labcorp
Classification: Likely pathogenic for RYR1-related disorder. Last evaluated: 2025-06-20. Review status: criteria provided, single submitter. Criteria: Invitae Variant Classification Sherloc (09022015). Collection method: clinical testing. Allele origin: germline. Not counted in ClinVar's aggregate classification.
Comment: This sequence change replaces cysteine, which is neutral and slightly polar, with arginine, which is basic and polar, at codon 4664 of the RYR1 protein (p.Cys4664Arg). This variant is present in population databases (rs759500310, gnomAD 0.0009%). This missense change has been observed in individual(s) with malignant hyperthermia susceptibility (PMID: 19191333). ClinVar contains an entry for this variant (Variation ID: 1120228). Invitae Evidence Modeling of protein sequence and biophysical properties (such as structural, functional, and spatial information, amino acid conservation, physicochemical variation, residue mobility, and thermodynamic stability) indicates that this missense variant is expected to disrupt RYR1 protein function with a positive predictive value of 80%. Experimental studies are conflicting or provide insufficient evidence to determine the effect of this variant on RYR1 function (PMID: 19191333). In summary, the currently available evidence indicates that the variant is pathogenic, but additional data are needed to prove that conclusively. Therefore, this variant has been classified as Likely Pathogenic.

Revvity Omics, Revvity
Classification: Uncertain significance. Last evaluated: 2025-02-06. Review status: criteria provided, single submitter. Criteria: ACMG Guidelines, 2015. Collection method: clinical testing. Allele origin: germline. Not counted in ClinVar's aggregate classification.

Fulgent Genetics
Classification: Uncertain significance for Central core myopathy; Malignant hyperthermia, susceptibility to, 1; Congenital myopathy 4A, autosomal dominant; Congenital multicore myopathy with external ophthalmoplegia; King Denborough syndrome. Last evaluated: 2021-08-23. Review status: criteria provided, single submitter. Criteria: ACMG Guidelines, 2015. Collection method: clinical testing. Allele origin: unknown. Not counted in ClinVar's aggregate classification.

Literature cited by the submitters: PubMed 19191333 (cited by Labcorp Genetics (formerly Invitae), Labcorp).

NM_000540.3(RYR1):c.13990T>C (p.Cys4664Arg)

Gene: RYR1 (ryanodine receptor 1; plus strand). Cytogenetic location: 19q13.2.
Variant type: single nucleotide variant.
Coding change: c.13990T>C on transcript NM_000540.3 (MANE Select); coding-DNA position 13990, T replaced by C.
Protein change: p.Cys4664Arg; replaces cysteine 4664 with arginine.
Molecular consequence: missense variant.
Genome position (GRCh38, 1-based): chr19:38,572,262, T>C. VCF-style: chr19-38572262-T-C. GRCh37 (hg19) VCF-style: chr19-39062902-T-C.
Other names: c.13990T>C (NM_000540.2); c.13975T>C, p.Cys4659Arg (NM_001042723.2); short protein forms C4659R, C4664R.
Identifiers: ClinVar variation 1120228 (VCV001120228.14), dbSNP rs759500310, ClinGen allele CA060685.
Genomic context (GRCh38, chr19:38,572,262, plus strand): 5'-CTGCGGTGTCTGAGCCTCCTGCATACACTGGTGGCCTTTCTCTGCATCATTGGCTATAAT[T>C]GTCTCAAGGTGGGCCCATGGCCATGGTTCTGGGGCAAGGGCTTATTGGCTGGGTGGGGGT-3'
Protein context (NP_000531.2, residues 4654-4674): VAFLCIIGYN[Cys4664Arg]LKVPLVIFKR